The following is an entry in ClinVar:

NM_015259.6(ICOSLG):c.406+6A>G

Gene: ICOSLG (inducible T cell costimulator ligand; minus strand). Cytogenetic location: 21q22.3.
Variant type: single nucleotide variant.
Coding change: c.406+6A>G on transcript NM_015259.6 (MANE Select); 6 bases into the intron after coding-DNA position 406, A replaced by G.
Molecular consequence: intron variant.
Genome position (GRCh38, 1-based): chr21:44,236,861, T>C on the plus strand (A>G on the coding strand, the complement: ICOSLG is on the minus strand). VCF-style: chr21-44236861-T-C. GRCh37 (hg19) VCF-style: chr21-45656744-T-C.
Other names: c.56-1299A>G (NM_001283051.2); c.151+6A>G (NM_001283052.2); c.406+6A>G (NM_001283050.2); c.325+6A>G (NM_001365759.2).
Identifiers: ClinVar variation 1352125 (VCV001352125.6), dbSNP rs2146344231, ClinGen allele CA2573157680.

ClinVar aggregate classification (germline): Uncertain significance (1 of 4 stars; one submission).

Submission:

Labcorp Genetics (formerly Invitae), Labcorp
Classification: Uncertain significance. Last evaluated: 2021-11-17. Review status: criteria provided, single submitter. Criteria: Invitae Variant Classification Sherloc (09022015). Collection method: clinical testing. Allele origin: germline.
Comment: This variant is not present in population databases (gnomAD no frequency). This sequence change falls in intron 3 of the ICOSLG gene. It does not directly change the encoded amino acid sequence of the ICOSLG protein. It affects a nucleotide within the consensus splice site. This variant has not been reported in the literature in individuals affected with ICOSLG-related conditions. In summary, the available evidence is currently insufficient to determine the role of this variant in disease. Therefore, it has been classified as a Variant of Uncertain Significance. Variants that disrupt the consensus splice site are a relatively common cause of aberrant splicing (PMID: 17576681, 9536098). Algorithms developed to predict the effect of sequence changes on RNA splicing suggest that this variant is not likely to affect RNA splicing.

Literature cited by the submitters: PubMed 17576681; PubMed 9536098.